The following is an entry in ClinVar:

ClinVar aggregate classification (germline): Uncertain significance (1 of 4 stars; one submission).

Conditions:
Acromesomelic dysplasia 1, Maroteaux type (AMD1). Also called: ST. HELENA DYSPLASIA; ACROMESOMELIC DYSPLASIA 1. Identifiers: Orphanet 40, MedGen C1864356, MONDO:0011275, OMIM 602875.
Tall stature-scoliosis-macrodactyly of the great toes syndrome. Also called: Epiphyseal chondrodysplasia, miura type. Identifiers: Orphanet 329191, MedGen C4014690, MONDO:0014401, OMIM 615923.

gnomAD v4.1: 3 of 1,614,150 alleles (0.00019%); highest among the groups gnomAD compares: Non-Finnish European, 0.00025%; no homozygotes.

Submission:

Labcorp Genetics (formerly Invitae), Labcorp
Classification: Uncertain significance for Tall stature-scoliosis-macrodactyly of the great toes syndrome; Acromesomelic dysplasia 1, Maroteaux type. Last evaluated: 2026-01-12. Review status: criteria provided, single submitter. Criteria: Invitae Variant Classification Sherloc (09022015). Collection method: clinical testing. Allele origin: germline.
Comment: This sequence change replaces arginine, which is basic and polar, with leucine, which is neutral and non-polar, at codon 1040 of the NPR2 protein (p.Arg1040Leu). This variant is present in population databases (rs146546770, gnomAD 0.002%). This variant has not been reported in the literature in individuals affected with NPR2-related conditions. ClinVar contains an entry for this variant (Variation ID: 3762588). Invitae Evidence Modeling of protein sequence and biophysical properties (such as structural, functional, and spatial information, amino acid conservation, physicochemical variation, residue mobility, and thermodynamic stability) indicates that this missense variant is not expected to disrupt NPR2 protein function with a negative predictive value of 80%. In summary, the available evidence is currently insufficient to determine the role of this variant in disease. Therefore, it has been classified as a Variant of Uncertain Significance.

NM_003995.4(NPR2):c.3119G>T (p.Arg1040Leu)

Genes: NPR2 (natriuretic peptide receptor 2; plus strand), SPAG8 (sperm associated antigen 8; minus strand). Cytogenetic location: 9p13.3.
Variant type: single nucleotide variant.
Coding change: c.3119G>T on transcript NM_003995.4 (MANE Select); coding-DNA position 3119, G replaced by T.
Protein change: p.Arg1040Leu; replaces arginine 1040 with leucine.
Molecular consequence: missense variant. On other transcripts: synonymous variant (1), intron variant (1).
Genome position (GRCh38, 1-based): chr9:35,809,420, G>T. VCF-style: chr9-35809420-G-T. GRCh37 (hg19) VCF-style: chr9-35809417-G-T.
Other names: c.1356C>A, p.Ser452= (NM_172312.2); c.3128G>T, p.Arg1043Leu (NM_001378923.1); c.1200+1019C>A (NM_001366760.2); short protein forms R1040L, R1043L.
Identifiers: ClinVar variation 3762588 (VCV003762588.2).